The following is an entry in ClinVar:

ClinVar aggregate classification (germline): Pathogenic. Review status: criteria provided, multiple submitters, no conflicts (2 of 4 stars). 2 submissions from 2 submitters: Pathogenic (2). Last evaluated 2025-06-27.

Conditions:
Cohen syndrome (COH1). Also called: PEPPER SYNDROME; Cutis verticis gyrata, retinitis pigmentosa, and sensorineural deafness. Identifiers: Orphanet 193, MedGen C0265223, MONDO:0008999, OMIM 216550.

Allele frequency attached by ClinVar (database versions not stated): gnomAD exomes below 0.00001.
gnomAD v4.1: 5 of 1,614,074 alleles (0.00031%); highest among the groups gnomAD compares: Non-Finnish European, 0.00042%; no homozygotes.

Submissions (2):

Health Biotechnology Lab, Government College University Faisalabad
Classification: Pathogenic for Cohen syndrome. Last evaluated: 2025-06-27. Review status: criteria provided, single submitter. Criteria: ACMG Guidelines, 2015. Collection method: research. Allele origin: germline. Affected: yes. Observed: 2 variant alleles.
Comment: Biallelic pathogenic VPS13B variants (NM_152564.5:c.8230C>T (p.Gln2744*)) is classically associated with Cohen syndrome but have also been described in cases of non-syndromic microcephaly. Thid variant is rare in gnomAD v4.1 (5 heterozygotes, 0 homozygotes, AF 0.000003098). This variant has not been reported in prior literature. The variant was classified as pathogenic according to ACMG criteria of PVS1, PM2.

Labcorp Genetics (formerly Invitae), Labcorp
Classification: Pathogenic for Cohen syndrome. Last evaluated: 2025-05-13. Review status: criteria provided, single submitter. Criteria: Invitae Variant Classification Sherloc (09022015). Collection method: clinical testing. Allele origin: germline.
Comment: This sequence change creates a premature translational stop signal (p.Gln2769*) in the VPS13B gene. It is expected to result in an absent or disrupted protein product. Loss-of-function variants in VPS13B are known to be pathogenic (PMID: 15141358, 16648375, 20461111). This variant is not present in population databases (gnomAD no frequency). This variant has not been reported in the literature in individuals affected with VPS13B-related conditions. ClinVar contains an entry for this variant (Variation ID: 1068584). For these reasons, this variant has been classified as Pathogenic.

Literature cited by the submitters: PubMed 15141358 (cited by Labcorp Genetics (formerly Invitae), Labcorp); PubMed 16648375 (cited by Labcorp Genetics (formerly Invitae), Labcorp); PubMed 20461111 (cited by Labcorp Genetics (formerly Invitae), Labcorp).

NM_152564.5(VPS13B):c.8230C>T (p.Gln2744Ter)

Gene: VPS13B (vacuolar protein sorting 13 homolog B; plus strand). Cytogenetic location: 8q22.2.
Variant type: single nucleotide variant.
Coding change: c.8230C>T on transcript NM_152564.5 (MANE Select); coding-DNA position 8230, C replaced by T.
Protein change: p.Gln2744Ter; replaces glutamine 2744 with a stop codon.
Molecular consequence: nonsense.
Genome position (GRCh38, 1-based): chr8:99,817,672, C>T. VCF-style: chr8-99817672-C-T. GRCh37 (hg19) VCF-style: chr8-100829900-C-T.
Other names: c.8305C>T, p.Gln2769Ter (NM_017890.5); short protein forms Q2744*, Q2769*.
Identifiers: ClinVar variation 1068584 (VCV001068584.8), dbSNP rs2130810847, ClinGen allele CA371772853.